The following is an entry in ClinVar:

ClinVar aggregate classification (germline): Uncertain significance (1 of 4 stars; one submission).

Submission:

GeneDx
Classification: Uncertain significance. Last evaluated: 2025-02-04. Review status: criteria provided, single submitter. Criteria: GeneDx Variant Classification Process June 2021. Collection method: clinical testing. Allele origin: germline. Affected: yes.
Comment: Not observed at significant frequency in large population cohorts (gnomAD); In silico analysis supports a deleterious effect on splicing; Has not been previously published as pathogenic or benign to our knowledge

NM_018026.4(PACS1):c.805+5G>A

Gene: PACS1 (phosphofurin acidic cluster sorting protein 1; plus strand). Cytogenetic location: 11q13.2.
Variant type: single nucleotide variant.
Coding change: c.805+5G>A on transcript NM_018026.4 (MANE Select); 5 bases into the intron after coding-DNA position 805, G replaced by A.
Molecular consequence: intron variant.
Genome position (GRCh38, 1-based): chr11:66,216,268, G>A. VCF-style: chr11-66216268-G-A. GRCh37 (hg19) VCF-style: chr11-65983739-G-A.
Identifiers: ClinVar variation 4072814 (VCV004072814.1).